The following is an entry in ClinVar:

ClinVar aggregate classification (germline): Likely benign. Review status: criteria provided, multiple submitters, no conflicts (2 of 4 stars). 3 submissions from 3 submitters: Likely benign (3). Last evaluated 2026-04-21.

Conditions:
Colorectal cancer, susceptibility to, 1. Also called: COLORECTAL ADENOMA AND CANCER, SUSCEPTIBILITY TO; COLORECTAL CANCER, SUSCEPTIBILITY TO, ON CHROMOSOME 9. Identifiers: MedGen C1837315, MONDO:0012132, OMIM 608812.

Allele frequency attached by ClinVar (database versions not stated): TOPMed 0.00001; gnomAD 0.00003; gnomAD exomes 0.00003 and 0.00004; ExAC 0.00005.

Submissions (3):

Myriad Genetics, Inc.
Classification: Likely benign for Colorectal cancer, susceptibility to, 1. Last evaluated: 2026-04-21. Review status: criteria provided, single submitter. Criteria: Myriad Autosomal Dominant, Autosomal Recessive and X-Linked Classification Criteria (2023). Collection method: clinical testing. Allele origin: unknown.
Comment: This variant is considered likely benign. This variant is intronic and is not expected to impact mRNA splicing.

Labcorp Genetics (formerly Invitae), Labcorp
Classification: Likely benign. Last evaluated: 2024-08-29. Review status: criteria provided, single submitter. Criteria: Invitae Variant Classification Sherloc (09022015). Collection method: clinical testing. Allele origin: germline.

Blueprint Genetics
Classification: Likely benign. Last evaluated: 2024-04-24. Review status: criteria provided, single submitter. Criteria: ACMG Guidelines, 2015. Collection method: clinical testing. Allele origin: germline.

NM_024642.5(GALNT12):c.917+9C>T

Gene: GALNT12 (polypeptide N-acetylgalactosaminyltransferase 12; plus strand). Cytogenetic location: 9q22.33.
Variant type: single nucleotide variant.
Coding change: c.917+9C>T on transcript NM_024642.5 (MANE Select); 9 bases into the intron after coding-DNA position 917, C replaced by T.
Molecular consequence: intron variant.
Genome position (GRCh38, 1-based): chr9:98,831,966, C>T. VCF-style: chr9-98831966-C-T. GRCh37 (hg19) VCF-style: chr9-101594248-C-T.
Identifiers: ClinVar variation 241520 (VCV000241520.13), dbSNP rs770387683, ClinGen allele CA5154099.